The following is an entry in ClinVar:

NM_004628.5(XPC):c.191G>C (p.Gly64Ala)

Gene: XPC (XPC complex subunit, DNA damage recognition and repair factor; minus strand). Cytogenetic location: 3p25.1.
Variant type: single nucleotide variant.
Coding change: c.191G>C on transcript NM_004628.5 (MANE Select); coding-DNA position 191, G replaced by C.
Protein change: p.Gly64Ala; replaces glycine 64 with alanine.
Molecular consequence: missense variant. On other transcripts: 5 prime UTR variant (1), non-coding transcript variant (2).
Genome position (GRCh38, 1-based): chr3:14,172,975, C>G on the plus strand (G>C on the coding strand, the complement: XPC is on the minus strand). VCF-style: chr3-14172975-C-G. GRCh37 (hg19) VCF-style: chr3-14214475-C-G.
Other names: c.-265G>C (NM_001354726.2); c.191G>C, p.Gly64Ala (NM_001354727.2, NM_001354730.2); c.173G>C, p.Gly58Ala (NM_001354729.2); short protein forms G58A, G64A.
Identifiers: ClinVar variation 1050053 (VCV001050053.6), dbSNP rs183478541, ClinGen allele CA2267779.
Genomic context (GRCh38, chr3:14,172,975, plus strand): 5'-TTTTCAGATTTAACAGTCACCTTGGCCACTTTCTTTTTTGCTGGACCATCTGCTGAACCC[C>G]CAGGATGACTGCAGCCTCTTTTCCTCTTTCCTTGTGAAACTTTGGAGAGAAGGCTCTTCT-3'
Protein context (NP_004619.3, residues 54-74): GKRKRGCSHP[Gly64Ala]GSADGPAKKK

ClinVar aggregate classification (germline): Uncertain significance. Review status: criteria provided, multiple submitters, no conflicts (2 of 4 stars). 3 submissions from 3 submitters: Uncertain significance (2). 1 of the submissions does not count toward it. Last evaluated 2022-10-17.

Allele frequency attached by ClinVar (database versions not stated): 1000 Genomes Project 30x 0.00016; 1000 Genomes Project 0.00020.
gnomAD v4.1: 249 of 1,613,900 alleles (0.015%); highest among the groups gnomAD compares: Non-Finnish European, 0.018%; no homozygotes.

Submissions (3):

Labcorp Genetics (formerly Invitae), Labcorp
Classification: Uncertain significance. Last evaluated: 2022-10-17. Review status: criteria provided, single submitter. Criteria: Invitae Variant Classification Sherloc (09022015). Collection method: clinical testing. Allele origin: germline.
Comment: This sequence change replaces glycine with alanine at codon 64 of the XPC protein (p.Gly64Ala). The glycine residue is weakly conserved and there is a small physicochemical difference between glycine and alanine. This variant is present in population databases (rs183478541, gnomAD 0.06%). This variant has not been reported in the literature in individuals affected with XPC-related conditions. ClinVar contains an entry for this variant (Variation ID: 1050053). Advanced modeling of protein sequence and biophysical properties (such as structural, functional, and spatial information, amino acid conservation, physicochemical variation, residue mobility, and thermodynamic stability) performed at Invitae indicates that this missense variant is not expected to disrupt XPC protein function. In summary, the available evidence is currently insufficient to determine the role of this variant in disease. Therefore, it has been classified as a Variant of Uncertain Significance.

Institute for Clinical Genetics, University Hospital TU Dresden, University Hospital TU Dresden
Classification: Uncertain significance. Last evaluated: 2021-11-03. Review status: criteria provided, single submitter. Criteria: ACMG Guidelines, 2015. Collection method: clinical testing. Allele origin: germline.

Department of Pathology and Laboratory Medicine, Sinai Health System
Classification: Uncertain significance. Review status: no assertion criteria provided. Collection method: clinical testing. Allele origin: unknown. Affected: yes. Study: The Canadian Open Genetics Repository (COGR). Not counted in ClinVar's aggregate classification.
Comment: The XPC p.Gly64Ala variant was identified in the literature in a breast tumor sample; germline testing for the variant was not conducted (Wang_2008_PMID:18281469). The variant was identified in dbSNP (ID: rs183478541) but was not observed in ClinVar, COSMIC, or LOVD 3.0. The variant was also identified in control databases in 88 of 280258 chromosomes (0 homozygous) at a frequency of 0.000314 (Genome Aggregation Database March 6, 2019, v2.1.1). The variant was observed in the following populations: Other in 5 of 7126 chromosomes (freq: 0.000702), European (non-Finnish) in 73 of 128220 chromosomes (freq: 0.000569) and European (Finnish) in 10 of 25000 chromosomes (freq: 0.0004), but was not observed in the African, Latino, Ashkenazi Jewish, East Asian or South Asian populations. The p.Gly64 residue is conserved in mammals but not in more distantly related organisms however computational analyses (PolyPhen-2, SIFT, AlignGVGD, BLOSUM, MutationTaster) do not suggest a high likelihood of impact to the protein; this information is not predictive enough to rule out pathogenicity. The variant occurs outside of the splicing consensus sequence and three of four in silico or computational prediction software programs (SpliceSiteFinder, MaxEntScan, NNSPLICE, GeneSplicer) do not predict a greater than 10% difference in splicing; this is not very predictive of pathogenicity. In summary, based on the above information the clinical significance of this variant cannot be determined with certainty at this time. This variant is classified as a variant of uncertain significance.